The following is an entry in ClinVar:

NM_022552.5(DNMT3A):c.1015-3_1015-1delinsAA

Gene: DNMT3A (DNA methyltransferase 3 alpha; minus strand). Cytogenetic location: 2p23.3.
Variant type: Indel.
Coding change: c.1015-3_1015-1delinsAA on transcript NM_022552.5 (MANE Select); 3 bases into the intron before coding-DNA position 1015 through the canonical splice acceptor site of the intron before coding-DNA position 1015, CAG replaced by AA.
Molecular consequence: splice acceptor variant.
Genome position (GRCh38, 1-based): chr2:25,247,159-25,247,161, CTG replaced by TT on the plus strand (CAG replaced by AA on the coding strand, the reverse complement: DNMT3A is on the minus strand). VCF-style: chr2-25247159-CTG-TT. GRCh37 (hg19) VCF-style: chr2-25470028-CTG-TT.
Other names: c.1015-3_1015-1delCAGinsAA (NM_175629.2); c.1015-3_1015-1delinsAA (NM_175629.2); c.448-3_448-1delinsAA (NM_153759.3); c.559-3_559-1delinsAA (NM_001320893.1); c.346-3_346-1delinsAA (NM_001375819.1).
Identifiers: ClinVar variation 504067 (VCV000504067.1), dbSNP rs1553413823, ClinGen allele CA658795681.

ClinVar aggregate classification (germline): Pathogenic (1 of 4 stars; one submission).

Submission:

GeneDx
Classification: Pathogenic. Last evaluated: 2018-01-04. Review status: criteria provided, single submitter. Criteria: GeneDx Variant Classification (06012015). Collection method: clinical testing. Allele origin: germline. Affected: yes.
Comment: The c.1015-3_1015-1delCAGinsAA variant in the DNMT3A gene has not been reported previously as a pathogenic variant nor as a benign variant, to our knowledge. The c.1015-3_1015-1delCAGinsAA variant results in the deletion of three nucleotides and the insertion of two incorrect nucleotides at the intron 8/exon 9 boundary, which destroys the canonical splice acceptor site in intron 8, and is predicted to cause abnormal gene splicing. The c.1015-3_1015-1delCAGinsAA variant is not observed in large population cohorts (Lek et al., 2016). We interpret c.1015-3_1015-1delCAGinsAA as a pathogenic variant.